The following is an entry in ClinVar:

ClinVar aggregate classification (germline): Uncertain significance (1 of 4 stars; one submission).

Conditions:
Cardiovascular phenotype. Identifiers: MedGen CN230736.
Hereditary cancer-predisposing syndrome. Also called: Neoplastic Syndromes, Hereditary; Hereditary Cancer Syndrome; Tumor predisposition; Hereditary neoplastic syndrome. Identifiers: Orphanet 140162, MedGen C0027672, MeSH D009386, MONDO:0015356.

Submission:

Ambry Genetics
Classification: Uncertain significance for Cardiovascular phenotype; Hereditary cancer-predisposing syndrome. Last evaluated: 2022-12-24. Review status: criteria provided, single submitter. Criteria: Ambry Variant Classification Scheme 2023. Collection method: clinical testing. Allele origin: germline.
Comment: The p.G169R variant (also known as c.505G>A), located in coding exon 5 of the LZTR1 gene, results from a G to A substitution at nucleotide position 505. The glycine at codon 169 is replaced by arginine, an amino acid with dissimilar properties. This amino acid position is conserved. In addition, the in silico prediction for this alteration is inconclusive. Since supporting evidence is limited at this time, the clinical significance of this alteration remains unclear.

NM_006767.4(LZTR1):c.505G>A (p.Gly169Arg)

Gene: LZTR1 (leucine zipper like post translational regulator 1; plus strand). Cytogenetic location: 22q11.21.
Variant type: single nucleotide variant.
Coding change: c.505G>A on transcript NM_006767.4 (MANE Select); coding-DNA position 505, G replaced by A.
Protein change: p.Gly169Arg; replaces glycine 169 with arginine.
Molecular consequence: missense variant.
Genome position (GRCh38, 1-based): chr22:20,988,114, G>A. VCF-style: chr22-20988114-G-A. GRCh37 (hg19) VCF-style: chr22-21342403-G-A.
Other names: short protein forms G169R.
Identifiers: ClinVar variation 2447721 (VCV002447721.2), dbSNP rs2518613395, ClinGen allele CA410779952.